The following is an entry in ClinVar:

NM_005262.3(GFER):c.199del (p.Arg67fs)

Genes: GFER (growth factor, augmenter of liver regeneration; plus strand), LOC130058203 (ATAC-STARR-seq lymphoblastoid silent region 7014; plus strand). Cytogenetic location: 16p13.3.
Variant type: Deletion.
Coding change: c.199del on transcript NM_005262.3 (MANE Select); coding-DNA position 199, one base deleted (C; older notation c.199delC).
Protein change: p.Arg67fs; shifts the reading frame from arginine 67.
Molecular consequence: frameshift variant.
Genome position (GRCh38, 1-based): chr16:1,984,417, C deleted; the last of 3 consecutive C bases (chr16:1,984,415-1,984,417); deleting any one gives the same sequence. VCF-style (leftmost placement, unchanged base first): chr16-1984414-TC-T. GRCh37 (hg19) VCF-style: chr16-2034415-TC-T.
Other names: short protein forms R67fs.
Identifiers: ClinVar variation 214476 (VCV000214476.7), dbSNP rs863224028, ClinGen allele CA325326.
Genomic context (GRCh38, chr16:1,984,414, plus strand): 5'-GCCTCGGCCTCGACGCCAGCCCAGGCGCCGACCTCCGATTCTCCTGTCGCCGAGGACGCC[TC>T]CCGGAGGCGGCCGTGCCGGGCCTGCGTCGACTTCAAGACGTGGATGCGGACGCAGCAGAA-3'

ClinVar aggregate classification (germline): Conflicting classifications of pathogenicity. Review status: criteria provided, conflicting classifications (1 of 4 stars). 4 submissions from 4 submitters: Likely pathogenic (2); Uncertain significance (1). 1 of the submissions does not count toward it. Last evaluated 2024-01-11.

Conditions:
Mitochondrial disease. Also called: Mitochondrial disorder; Mitochondrial disorders. Identifiers: Orphanet 68380, MedGen C0751651, MeSH D028361, MONDO:0044970.
Congenital cataract-progressive muscular hypotonia-hearing loss-developmental delay syndrome. Also called: MITOCHONDRIAL COMPLEX DEFICIENCY, COMBINED; Myopathy with cataract and combined respiratory-chain deficiency. Identifiers: Orphanet 330054, MedGen C2751320, MONDO:0013116, OMIM 613076.

Submissions (4):

Labcorp Genetics (formerly Invitae), Labcorp
Classification: Uncertain significance. Last evaluated: 2024-01-11. Review status: criteria provided, single submitter. Criteria: Invitae Variant Classification Sherloc (09022015). Collection method: clinical testing. Allele origin: germline.
Comment: This sequence change creates a premature translational stop signal (p.Arg67Glyfs*83) in the GFER gene. While this is not anticipated to result in nonsense mediated decay, it is expected to disrupt the last 139 amino acid(s) of the GFER protein. This variant is present in population databases (rs747241374, gnomAD 0.01%). This premature translational stop signal has been observed in individual(s) with clinical features of GFER-related condition (PMID: 34732400). ClinVar contains an entry for this variant (Variation ID: 214476). In summary, the available evidence is currently insufficient to determine the role of this variant in disease. Therefore, it has been classified as a Variant of Uncertain Significance.

GeneDx
Classification: Likely pathogenic. Last evaluated: 2018-09-14. Review status: criteria provided, single submitter. Criteria: GeneDx Variant Classification (06012015). Collection method: clinical testing. Allele origin: germline. Affected: yes.
Comment: c.199delC:p.Arg67GlyfsX83 (R67GfsX83) in exon 1 of the GFER gene (NM_005262.2). The normal sequence with the base that is deleted in braces is: CTCC{C}GGAG. The c.199delC variant in the GFER gene causes a frameshift starting with codon Arginine 67, changes this amino acid to a Glycine residue and creates a premature Stop codon at position 83 of the new reading frame, denoted p.Arg67GlyfsX83. It has not been published as pathogenic, nor has it been reported as a benign polymorphism to our knowledge. This variant is predicted to cause loss of normal protein function either through protein truncation or nonsense-mediated mRNA decay; however, to date no frameshift variants have been reported in the GFER gene. The c.199delC variant is a good candidate for a pathogenic variant, but the possibility it may be a rare benign variant cannot be excluded.

Knight Diagnostic Laboratories, Oregon Health and Sciences University
Classification: Likely pathogenic for Myopathy, mitochondrial progressive, with congenital cataract, hearing loss, and developmental delay. Last evaluated: 2017-07-26. Review status: criteria provided, single submitter. Criteria: ACMG Guidelines, 2015. Collection method: clinical testing. Allele origin: germline. Observed: 1 variant allele.

Mitochondrial Research Group, Newcastle University
Classification: Pathogenic for Mitochondrial disease. Last evaluated: 2017-04-07. Review status: no assertion criteria provided. Collection method: clinical testing. Allele origin: germline. Affected: yes. Observed: 2 variant alleles. Not counted in ClinVar's aggregate classification.

Literature cited by the submitters: PubMed 34732400 (cited by Labcorp Genetics (formerly Invitae), Labcorp); PubMed 28812649 (cited by Mitochondrial Research Group, Newcastle University).